The following is an entry in ClinVar:

ClinVar aggregate classification (germline): Uncertain significance (1 of 4 stars; one submission).

Conditions:
Baller-Gerold syndrome (BGS). Also called: CRANIOSYNOSTOSIS WITH RADIAL DEFECTS. Identifiers: Orphanet 1225, MedGen C0265308, MONDO:0009039, OMIM 218600.

Submission:

Labcorp Genetics (formerly Invitae), Labcorp
Classification: Uncertain significance for Baller-Gerold syndrome. Last evaluated: 2023-08-17. Review status: criteria provided, single submitter. Criteria: Invitae Variant Classification Sherloc (09022015). Collection method: clinical testing. Allele origin: germline.
Comment: ClinVar contains an entry for this variant (Variation ID: 1720709). This sequence change replaces proline, which is neutral and non-polar, with serine, which is neutral and polar, at codon 792 of the RECQL4 protein (p.Pro792Ser). This variant is not present in population databases (gnomAD no frequency). This variant has not been reported in the literature in individuals affected with RECQL4-related conditions. Advanced modeling of protein sequence and biophysical properties (such as structural, functional, and spatial information, amino acid conservation, physicochemical variation, residue mobility, and thermodynamic stability) performed at Invitae indicates that this missense variant is expected to disrupt RECQL4 protein function. In summary, the available evidence is currently insufficient to determine the role of this variant in disease. Therefore, it has been classified as a Variant of Uncertain Significance.

NM_004260.4(RECQL4):c.2374C>T (p.Pro792Ser)

Gene: RECQL4 (RecQ like helicase 4; minus strand). Cytogenetic location: 8q24.3.
Variant type: single nucleotide variant.
Coding change: c.2374C>T on transcript NM_004260.4 (MANE Select); coding-DNA position 2374, C replaced by T.
Protein change: p.Pro792Ser; replaces proline 792 with serine.
Molecular consequence: missense variant.
Genome position (GRCh38, 1-based): chr8:144,513,307, G>A on the plus strand (C>T on the coding strand, the complement: RECQL4 is on the minus strand). VCF-style: chr8-144513307-G-A. GRCh37 (hg19) VCF-style: chr8-145738690-G-A.
Other names: c.2374C>T, p.Pro792Ser (NM_001413019.1, NM_001413036.1); c.2278C>T, p.Pro760Ser (NM_001413020.1); c.1303C>T, p.Pro435Ser (NM_001413021.1, NM_001413022.1, NM_001413023.1 and 5 more transcripts); c.2245C>T, p.Pro749Ser (NM_001413025.1); c.1237C>T, p.Pro413Ser (NM_001413027.1, NM_001413030.1, NM_001413032.1 and 1 more transcripts); c.2023C>T, p.Pro675Ser (NM_001413029.1); c.1105C>T, p.Pro369Ser (NM_001413031.1); c.2242C>T, p.Pro748Ser (NM_001413033.1); and 4 more; short protein forms P303S, P369S, P391S, P413S, P425S, P435S, P675S, P748S.
Identifiers: ClinVar variation 1720709 (VCV001720709.5), dbSNP rs2130677770, ClinGen allele CA372678261.